The following is an entry in ClinVar:

NM_001077418.3(TMEM231):c.-22G>C

Gene: TMEM231 (transmembrane protein 231; minus strand). Cytogenetic location: 16q23.1.
Variant type: single nucleotide variant.
Coding change: c.-22G>C on transcript NM_001077418.3 (MANE Select); 22 bases upstream of the start codon, G replaced by C.
Molecular consequence: 5 prime UTR variant. On other transcripts: missense variant (1), non-coding transcript variant (1).
Genome position (GRCh38, 1-based): chr16:75,556,231, C>G on the plus strand (G>C on the coding strand, the complement: TMEM231 is on the minus strand). VCF-style: chr16-75556231-C-G. GRCh37 (hg19) VCF-style: chr16-75590129-C-G.
Other names: c.41G>C, p.Arg14Pro (NM_001077416.2); short protein forms R14P.
Identifiers: ClinVar variation 2163906 (VCV002163906.1), dbSNP rs774269644, ClinGen allele CA8176331.
Genomic context (GRCh38, chr16:75,556,231, plus strand): 5'-GCGCTCGACCGGGTGAGAGAAGAGCTCATAGAGCGCCATGAGCACCGCTCGCAGGCACTC[C>G]GCGAGCCGGGGGACCAAGTTTGGCTTCTCCTGGTTGCCATCGCCTCGGTCTCCACGGCAA-3'

ClinVar aggregate classification (germline): Uncertain significance (1 of 4 stars; one submission).

Conditions:
Joubert syndrome 20 (JBTS20). Identifiers: Orphanet 475, MedGen C3554235, MONDO:0013994, OMIM 614970.
Meckel syndrome, type 11 (MKS11). Identifiers: Orphanet 564, MedGen C3809352, MONDO:0014164, OMIM 615397.

Allele frequency attached by ClinVar (database versions not stated): TOPMed 0.00001.

Submission:

Labcorp Genetics (formerly Invitae), Labcorp
Classification: Uncertain significance for Joubert syndrome 20; Meckel syndrome, type 11. Last evaluated: 2022-03-04. Review status: criteria provided, single submitter. Criteria: Invitae Variant Classification Sherloc (09022015). Collection method: clinical testing. Allele origin: germline.
Comment: This sequence change replaces arginine, which is basic and polar, with proline, which is neutral and non-polar, at codon 14 of the TMEM231 protein (p.Arg14Pro). This variant is not present in population databases (gnomAD no frequency). This variant has not been reported in the literature in individuals affected with TMEM231-related conditions. Algorithms developed to predict the effect of missense changes on protein structure and function are either unavailable or do not agree on the potential impact of this missense change (SIFT: "Deleterious"; PolyPhen-2: "Not Available"; Align-GVGD: "Class C0"). In summary, the available evidence is currently insufficient to determine the role of this variant in disease. Therefore, it has been classified as a Variant of Uncertain Significance.